The following is an entry in ClinVar:

ClinVar aggregate classification (germline): Uncertain significance (1 of 4 stars; one submission).

Submission:

Labcorp Genetics (formerly Invitae), Labcorp
Classification: Uncertain significance. Last evaluated: 2020-07-02. Review status: criteria provided, single submitter. Criteria: Invitae Variant Classification Sherloc (09022015). Collection method: clinical testing. Allele origin: germline.
Comment: In summary, the available evidence is currently insufficient to determine the role of this variant in disease. Therefore, it has been classified as a Variant of Uncertain Significance. Algorithms developed to predict the effect of missense changes on protein structure and function are either unavailable or do not agree on the potential impact of this missense change (SIFT: "Tolerated"; PolyPhen-2: "Possibly Damaging"; Align-GVGD: "Class C0"). This variant has not been reported in the literature in individuals with MTTP-related conditions. This variant is not present in population databases (ExAC no frequency). This sequence change replaces glycine with serine at codon 209 of the MTTP protein (p.Gly209Ser). The glycine residue is highly conserved and there is a small physicochemical difference between glycine and serine.

NM_001386140.1(MTTP):c.625G>A (p.Gly209Ser)

Gene: MTTP (microsomal triglyceride transfer protein; plus strand). Cytogenetic location: 4q23.
Variant type: single nucleotide variant.
Coding change: c.625G>A on transcript NM_001386140.1 (MANE Select); coding-DNA position 625, G replaced by A.
Protein change: p.Gly209Ser; replaces glycine 209 with serine.
Molecular consequence: missense variant.
Genome position (GRCh38, 1-based): chr4:99,591,657, G>A. VCF-style: chr4-99591657-G-A. GRCh37 (hg19) VCF-style: chr4-100512814-G-A.
Other names: c.625G>A, p.Gly209Ser (NM_000253.4); c.376G>A, p.Gly126Ser (NM_001300785.2); short protein forms G209S, G126S.
Identifiers: ClinVar variation 1035199 (VCV001035199.5), dbSNP rs1725423709, ClinGen allele CA357504855.
Genomic context (GRCh38, chr4:99,591,657, plus strand): 5'-TCAATAATTTAAACGATGATTACTTGTTATAAAGATGGCTATTTATTTATTTAGGTCTTG[G>A]GTGTCAGTTCAAAAGCTACATCTGTCACCACCTATAAGATAGAAGACAGCTTTGTTATAG-3'
Protein context (NP_001373069.1, residues 199-219): SGFTTPNQVL[Gly209Ser]VSSKATSVTT